The following is an entry in ClinVar:

NM_006005.3(WFS1):c.2101A>T (p.Thr701Ser)

Gene: WFS1 (wolframin ER transmembrane glycoprotein; plus strand). Cytogenetic location: 4p16.1.
Variant type: single nucleotide variant.
Coding change: c.2101A>T on transcript NM_006005.3 (MANE Select); coding-DNA position 2101, A replaced by T.
Protein change: p.Thr701Ser; replaces threonine 701 with serine.
Molecular consequence: missense variant.
Genome position (GRCh38, 1-based): chr4:6,301,896, A>T. VCF-style: chr4-6301896-A-T. GRCh37 (hg19) VCF-style: chr4-6303623-A-T.
Other names: c.2101A>T, p.Thr701Ser (NM_001145853.1); short protein forms T701S.
Identifiers: ClinVar variation 2045929 (VCV002045929.9), dbSNP rs1578611960, ClinGen allele CA356177711.

ClinVar aggregate classification (germline): Uncertain significance. Review status: criteria provided, multiple submitters, no conflicts (2 of 4 stars). 5 submissions from 5 submitters: Uncertain significance (4). 1 of the submissions does not count toward it. Last evaluated 2026-04-26.

Conditions:
Wolfram syndrome 1 (WFS1). Identifiers: Orphanet 3463, MedGen C4551693, MONDO:0009101, OMIM 222300.
Type 2 diabetes mellitus. Also called: Type II diabetes mellitus. Identifiers: MedGen C0011860, MeSH D003924, MONDO:0005148, OMIM 125853, HP:0005978.
Autosomal dominant nonsyndromic hearing loss 6 (LFSNHL). Also called: Autosomal dominant nonsyndromic deafness 6; DEAFNESS, AUTOSOMAL DOMINANT 6; DEAFNESS, AUTOSOMAL DOMINANT 14; DEAFNESS, AUTOSOMAL DOMINANT 38. Identifiers: Orphanet 90635, MedGen C1833021, MONDO:0010963, OMIM 600965.
WFS1-related disorder. Identifiers: MedGen CN379391, MONDO:0700293.

gnomAD v4.1: 4 of 1,612,652 alleles (0.00025%); highest among the groups gnomAD compares: Middle Eastern, 0.016%; no homozygotes.

Submissions (5):

Victorian Clinical Genetics Services, Murdoch Childrens Research Institute
Classification: Uncertain significance for Autosomal dominant nonsyndromic hearing loss 6. Last evaluated: 2026-04-26. Review status: criteria provided, single submitter. Criteria: ACMG Guidelines, 2015. Collection method: clinical testing. Allele origin: germline. Affected: yes.
Comment: This variant is classified as VUS-3C. Evidence in support of pathogenic classification: Variant is present in gnomAD <0.01 for a condition (v4: 4 heterozygote(s), 0 homozygote(s)). Evidence in support of benign classification: Missense variant predicted to be tolerated by in silico tool(s) or not conserved in placental mammals with a minor amino acid change. Additional information: Variant is predicted to result in a missense amino acid change from Thr to Ser; This variant is heterozygous; This gene is associated with both recessive and dominant disease. Both deafness 6/14/38 (MIM#600965) and Wolfram-like syndrome (MIM#614296) are inherited in an autosomal dominant manner, while Wolfram syndrome 1 (MIM#222300) is autosomal recessive. A clear genotype-phenotype correlation is currently unestablished; Alternative amino acid change(s) at the same position are present in gnomAD (highest allele count: v4: 2 heterozygote(s), 0 homozygote(s)); Previous evidence of pathogenicity for this variant is inconclusive. This variant has been reported as VUS in ClinVar; No published evidence of segregation with disease has been identified for this variant; No published functional evidence has been identified for this variant; No comparable missense variants have previous evidence for pathogenicity; Variant is located in the annotated Wolframin cysteine-rich domain (DECIPHER); Loss of function is a known mechanism of disease in this gene and is associated with autosomal recessive Wolfram syndrome (MIM#222300). Dominant-negative is suggested for heterozygous missense variants causing autosomal dominant Wolfram-like syndrome (MIM#614296) (PMID: 32219690); Inheritance information for this variant is not currently available in this individual.

Labcorp Genetics (formerly Invitae), Labcorp
Classification: Uncertain significance. Last evaluated: 2025-08-18. Review status: criteria provided, single submitter. Criteria: Invitae Variant Classification Sherloc (09022015). Collection method: clinical testing. Allele origin: germline.
Comment: This sequence change replaces threonine, which is neutral and polar, with serine, which is neutral and polar, at codon 701 of the WFS1 protein (p.Thr701Ser). This variant is not present in population databases (gnomAD no frequency). This variant has not been reported in the literature in individuals affected with WFS1-related conditions. ClinVar contains an entry for this variant (Variation ID: 2045929). Invitae Evidence Modeling of protein sequence and biophysical properties (such as structural, functional, and spatial information, amino acid conservation, physicochemical variation, residue mobility, and thermodynamic stability) indicates that this missense variant is not expected to disrupt WFS1 protein function with a negative predictive value of 95%. In summary, the available evidence is currently insufficient to determine the role of this variant in disease. Therefore, it has been classified as a Variant of Uncertain Significance.

New York Genome Center
Classification: Uncertain significance for Wolfram syndrome 1; Type 2 diabetes mellitus. Last evaluated: 2022-07-08. Review status: criteria provided, single submitter. Criteria: NYGC Assertion Criteria 2020. Collection method: clinical testing. Allele origin: germline. Observed: 1 heterozygote.

Blueprint Genetics
Classification: Uncertain significance. Last evaluated: 2022-02-24. Review status: criteria provided, single submitter. Criteria: ACMG Guidelines, 2015. Collection method: clinical testing. Allele origin: germline.

PreventionGenetics, part of Exact Sciences
Classification: Uncertain significance for WFS1-related condition. Last evaluated: 2024-06-21. Review status: no assertion criteria provided. Collection method: clinical testing. Allele origin: germline. Not counted in ClinVar's aggregate classification.
Comment: The WFS1 c.2101A>T variant is predicted to result in the amino acid substitution p.Thr701Ser. To our knowledge, this variant has not been reported in the literature or in a large population database, indicating this variant is rare. At this time, the clinical significance of this variant is uncertain due to the absence of conclusive functional and genetic evidence.

Literature cited by the submitters: PubMed 32219690 (cited by Victorian Clinical Genetics Services, Murdoch Childrens Research Institute).